The following is an entry in ClinVar:

NM_002354.3(EPCAM):c.562A>C (p.Asn188His)

Gene: EPCAM (epithelial cell adhesion molecule; plus strand). Cytogenetic location: 2p21.
Variant type: single nucleotide variant.
Coding change: c.562A>C on transcript NM_002354.3 (MANE Select); coding-DNA position 562, A replaced by C.
Protein change: p.Asn188His; replaces asparagine 188 with histidine.
Molecular consequence: missense variant.
Genome position (GRCh38, 1-based): chr2:47,378,959, A>C. VCF-style: chr2-47378959-A-C. GRCh37 (hg19) VCF-style: chr2-47606098-A-C.
Other names: short protein forms N188H.
Identifiers: ClinVar variation 4018574 (VCV004018574.1).

ClinVar aggregate classification (germline): Uncertain significance (1 of 4 stars; one submission).

Conditions:
Hereditary cancer-predisposing syndrome. Also called: Tumor predisposition; Hereditary neoplastic syndrome; Neoplastic Syndromes, Hereditary; Hereditary Cancer Syndrome. Identifiers: Orphanet 140162, MedGen C0027672, MeSH D009386, MONDO:0015356.

gnomAD v4.1: 1 of 1,483,838 alleles (0.000067%); highest among the groups gnomAD compares: East Asian, 0.0023%; no homozygotes.

Submission:

Ambry Genetics
Classification: Uncertain significance for Hereditary cancer-predisposing syndrome. Last evaluated: 2025-05-03. Review status: criteria provided, single submitter. Criteria: Ambry Variant Classification Scheme 2023. Collection method: clinical testing. Allele origin: germline.
Comment: The p.N188H variant (also known as c.562A>C), located in coding exon 6 of the EPCAM gene, results from an A to C substitution at nucleotide position 562. The asparagine at codon 188 is replaced by histidine, an amino acid with similar properties. This amino acid position is conserved. In addition, this alteration is predicted to be tolerated by in silico analysis. Based on the available evidence, the clinical significance of this variant remains unclear.